The following is an entry in ClinVar:

NM_178857.6(RP1L1):c.4918A>C (p.Ser1640Arg)

Gene: RP1L1 (RP1 like 1). Cytogenetic location: 8p23.1.
Variant type: single nucleotide variant.
Coding change: c.4918A>C on transcript NM_178857.6 (MANE Select); coding-DNA position 4918, A replaced by C.
Protein change: p.Ser1640Arg; replaces serine 1640 with arginine.
Molecular consequence: missense variant.
Genome position (GRCh38, 1-based): chr8:10,609,180, T>G on the plus strand (A>C on the coding strand, the complement: RP1L1 is on the minus strand). VCF-style: chr8-10609180-T-G. GRCh37 (hg19) VCF-style: chr8-10466690-T-G.
Other names: short protein forms S1640R.
Identifiers: ClinVar variation 3947281 (VCV003947281.2).

ClinVar aggregate classification (germline): Uncertain significance. Review status: criteria provided, multiple submitters, no conflicts (2 of 4 stars). 2 submissions from 2 submitters: Uncertain significance (2). Last evaluated 2025-04-08.

Conditions:
RP1L1-related disorder. Also called: RP1L1-related condition.
Inborn genetic diseases. Identifiers: MedGen C0950123, MeSH D030342.

gnomAD v4.1: 12 of 1,612,048 alleles (0.00074%); highest among the groups gnomAD compares: Non-Finnish European, 0.001%; no homozygotes.

Submissions (2):

Ambry Genetics
Classification: Uncertain significance for Inborn genetic diseases. Last evaluated: 2025-04-08. Review status: criteria provided, single submitter. Criteria: Ambry Variant Classification Scheme 2023. Collection method: clinical testing. Allele origin: germline.

PreventionGenetics, part of Exact Sciences
Classification: Uncertain significance for RP1L1-related condition. Last evaluated: 2024-12-09. Review status: criteria provided, single submitter. Criteria: ACMG Guidelines, 2015. Collection method: clinical testing. Allele origin: germline.
Comment: The RP1L1 c.4918A>C variant is predicted to result in the amino acid substitution p.Ser1640Arg. To our knowledge, this variant has not been reported in the literature. This variant is reported in 0.0031% of alleles in individuals of European (Non-Finnish) descent in gnomAD. At this time, the clinical significance of this variant is uncertain due to the absence of conclusive functional and genetic evidence.